The following is an entry in ClinVar:

ClinVar aggregate classification (germline): Benign (1 of 4 stars; one submission).

Conditions:
Autosomal recessive omodysplasia (OMOD1). Also called: MICROMELIC DYSPLASIA, CONGENITAL, WITH DISLOCATION OF RADIUS. Identifiers: Orphanet 2733, Orphanet 93329, MedGen C1850318, MONDO:0009779, OMIM 258315.

Allele frequency attached by ClinVar (database versions not stated): gnomAD exomes 0.00019; gnomAD 0.00960 and 0.01035; 1000 Genomes Project 0.01038; TOPMed 0.01135; 1000 Genomes Project 30x 0.01187.
gnomAD v4.1: 1,447 of 157,656 alleles (0.92%); highest among the groups gnomAD compares: African/African-American, 3.3%; 23 homozygotes.

Submission:

Illumina Laboratory Services, Illumina
Classification: Benign for Autosomal recessive omodysplasia. Last evaluated: 2018-01-13. Review status: criteria provided, single submitter. Criteria: ICSL Variant Classification Criteria 13 December 2019. Collection method: clinical testing. Allele origin: germline.
Comment: This variant was observed in the ICSL laboratory as part of a predisposition screen in an ostensibly healthy population. It had not been previously curated by ICSL or reported in the Human Gene Mutation Database (HGMD: prior to June 1st, 2018), and was therefore a candidate for classification through an automated scoring system. Utilizing variant allele frequency, disease prevalence and penetrance estimates, and inheritance mode, an automated score was calculated to assess if this variant is too frequent to cause the disease. Based on the score and internal cut-off values, a variant classified as benign is not then subjected to further curation. The score for this variant resulted in a classification of benign for this disease.

NM_005708.5(GPC6):c.*672A>G

Gene: GPC6 (glypican 6; plus strand). Cytogenetic location: 13q32.1.
Variant type: single nucleotide variant.
Coding change: c.*672A>G on transcript NM_005708.5 (MANE Select); 672 bases downstream of the stop codon, A replaced by G.
Molecular consequence: 3 prime UTR variant.
Genome position (GRCh38, 1-based): chr13:94,403,889, A>G. VCF-style: chr13-94403889-A-G. GRCh37 (hg19) VCF-style: chr13-95056143-A-G.
Identifiers: ClinVar variation 312567 (VCV000312567.5), dbSNP rs116355843, ClinGen allele CA10644872.
Genomic context (GRCh38, chr13:94,403,889, plus strand): 5'-CACCAAATTAATCTGGAGGTACTGATACTAAATTTGGAATCCCGTCTTTAATATGAGAAC[A>G]CAAATTACTACAACTCAGTACCTCTGTCTTACTCTGCCCAATTTCAATTTAGTAATGGCA-3'